The following is an entry in ClinVar:

ClinVar aggregate classification (germline): Uncertain significance (1 of 4 stars; one submission).

Conditions:
Hereditary cancer-predisposing syndrome. Also called: Neoplastic Syndromes, Hereditary; Tumor predisposition; Hereditary Cancer Syndrome; Hereditary neoplastic syndrome. Identifiers: Orphanet 140162, MedGen C0027672, MeSH D009386, MONDO:0015356.

Submission:

Ambry Genetics
Classification: Uncertain significance for Hereditary cancer-predisposing syndrome. Last evaluated: 2026-02-20. Review status: criteria provided, single submitter. Criteria: Ambry Variant Classification Scheme 2023. Collection method: clinical testing. Allele origin: germline.
Comment: The p.V677F variant (also known as c.2029G>T), located in coding exon 15 of the APC gene, results from a G to T substitution at nucleotide position 2029. The valine at codon 677 is replaced by phenylalanine, an amino acid with highly similar properties. This amino acid position is conserved. In addition, in silico predictors for this gene do not accurately predict pathogenicity. Based on the available evidence, the clinical significance of this variant remains unclear.

NM_000038.6(APC):c.2029G>T (p.Val677Phe)

Gene: APC (APC regulator of Wnt signaling pathway; plus strand). Cytogenetic location: 5q22.2.
Variant type: single nucleotide variant.
Coding change: c.2029G>T on transcript NM_000038.6 (MANE Select); coding-DNA position 2029, G replaced by T.
Protein change: p.Val677Phe; replaces valine 677 with phenylalanine.
Molecular consequence: missense variant. On other transcripts: non-coding transcript variant (2).
Genome position (GRCh38, 1-based): chr5:112,837,623, G>T. VCF-style: chr5-112837623-G-T. GRCh37 (hg19) VCF-style: chr5-112173320-G-T.
Other names: c.1726G>T, p.Val576Phe (NM_001407459.1, NM_001407460.1, NM_001407458.1 and 1 more transcripts); c.1642G>T, p.Val548Phe (NM_001407467.1, NM_001407469.1); c.1180G>T, p.Val394Phe (NM_001407470.1, NM_001354906.2); c.877G>T, p.Val293Phe (NM_001407471.1, NM_001407472.1); c.1780G>T, p.Val594Phe (NM_001407455.1, NM_001407456.1, NM_001407457.1 and 1 more transcripts); c.2029G>T, p.Val677Phe (NM_001127510.3, NM_001354895.2, NM_001407450.1); c.1975G>T, p.Val659Phe (NM_001127511.3); c.2083G>T, p.Val695Phe (NM_001354896.2, NM_001407447.1, NM_001407448.1 and 1 more transcripts); and 11 more; short protein forms V394F, V636F, V695F, V551F, V576F, V586F, V649F, V670F.
Identifiers: ClinVar variation 4825061 (VCV004825061.1).